The following is an entry in ClinVar:

NM_014014.5(SNRNP200):c.3277C>G (p.Arg1093Gly)

Gene: SNRNP200 (small nuclear ribonucleoprotein U5 subunit 200; minus strand). Cytogenetic location: 2q11.2.
Variant type: single nucleotide variant.
Coding change: c.3277C>G on transcript NM_014014.5 (MANE Select); coding-DNA position 3277, C replaced by G.
Protein change: p.Arg1093Gly; replaces arginine 1093 with glycine.
Molecular consequence: missense variant.
Genome position (GRCh38, 1-based): chr2:96,287,951, G>C on the plus strand (C>G on the coding strand, the complement: SNRNP200 is on the minus strand). VCF-style: chr2-96287951-G-C. GRCh37 (hg19) VCF-style: chr2-96953689-G-C.
Other names: short protein forms R1093G.
Identifiers: ClinVar variation 1994313 (VCV001994313.4), dbSNP rs1361735592, ClinGen allele CA347673040.

ClinVar aggregate classification (germline): Uncertain significance (1 of 4 stars; one submission).

Allele frequency attached by ClinVar (database versions not stated): TOPMed below 0.00001.
gnomAD v4.1: 2 of 1,614,124 alleles (0.00012%); highest among the groups gnomAD compares: Admixed American, 0.0033%; no homozygotes.

Submission:

Labcorp Genetics (formerly Invitae), Labcorp
Classification: Uncertain significance. Last evaluated: 2022-05-14. Review status: criteria provided, single submitter. Criteria: Invitae Variant Classification Sherloc (09022015). Collection method: clinical testing. Allele origin: germline.
Comment: This variant is present in population databases (no rsID available, gnomAD 0.003%). In summary, the available evidence is currently insufficient to determine the role of this variant in disease. Therefore, it has been classified as a Variant of Uncertain Significance. Algorithms developed to predict the effect of missense changes on protein structure and function are either unavailable or do not agree on the potential impact of this missense change (SIFT: "Deleterious"; PolyPhen-2: "Probably Damaging"; Align-GVGD: "Class C0"). This variant has not been reported in the literature in individuals affected with SNRNP200-related conditions. This sequence change replaces arginine, which is basic and polar, with glycine, which is neutral and non-polar, at codon 1093 of the SNRNP200 protein (p.Arg1093Gly).